The following is an entry in ClinVar:

NM_001374353.1(GLI2):c.571G>A (p.Gly191Arg)

Gene: GLI2 (GLI family zinc finger 2; plus strand). Cytogenetic location: 2q14.2.
Variant type: single nucleotide variant.
Coding change: c.571G>A on transcript NM_001374353.1 (MANE Select); coding-DNA position 571, G replaced by A.
Protein change: p.Gly191Arg; replaces glycine 191 with arginine.
Molecular consequence: missense variant.
Genome position (GRCh38, 1-based): chr2:120,955,358, G>A. VCF-style: chr2-120955358-G-A. GRCh37 (hg19) VCF-style: chr2-121712934-G-A.
Other names: c.571G>A, p.Gly191Arg (NM_001371271.1, NM_005270.5); c.196G>A, p.Gly66Arg (NM_001374354.1); short protein forms G191R, G66R.
Identifiers: ClinVar variation 2634743 (VCV002634743.2), dbSNP rs202141899, ClinGen allele CA1851576.

ClinVar aggregate classification (germline): Uncertain significance. Review status: criteria provided, multiple submitters, no conflicts (2 of 4 stars). 2 submissions from 2 submitters: Uncertain significance (2). Last evaluated 2026-01-06.

Conditions:
GLI2-related disorder. Also called: GLI2-related disorders; GLI2-related condition.

Allele frequency attached by ClinVar (database versions not stated): gnomAD 0.00002; TOPMed 0.00003; gnomAD exomes 0.00004; ExAC 0.00014; 1000 Genomes Project 30x 0.00016; 1000 Genomes Project 0.00020.

Submissions (2):

Women's Health and Genetics/Laboratory Corporation of America, LabCorp
Classification: Uncertain significance. Last evaluated: 2026-01-06. Review status: criteria provided, single submitter. Criteria: LabCorp Variant Classification Summary - May 2015. Collection method: clinical testing. Allele origin: germline.
Comment: Variant summary: GLI2 c.571G>A (p.Gly191Arg) results in a non-conservative amino acid change in the encoded protein sequence. Algorithms developed to predict the effect of missense changes on protein structure and function are either unavailable or do not agree on the potential impact of this missense change. The variant allele was found at a frequency of 3.5e-05 in 1613534 control chromosomes in the gnomAD database, including 1 homozygote. This frequency is not significantly higher than estimated for disease-causing variants in GLI2, allowing no conclusion about variant significance. To our knowledge, no occurrence of c.571G>A in individuals affected with GLI2-related conditions has been reported. At least one publication reports experimental evidence evaluating an impact on protein function, however, does not allow convincing conclusions about the variant effect (Liu_2015). The following publications have been ascertained in the context of this evaluation (PMID: 26261006, 30552426, 38649797, 37773632). ClinVar contains an entry for this variant (Variation ID: 2634743). Based on the evidence outlined above, the variant was classified as uncertain significance.

PreventionGenetics, part of Exact Sciences
Classification: Uncertain significance for GLI2-related condition. Last evaluated: 2023-04-30. Review status: criteria provided, single submitter. Criteria: ACMG Guidelines, 2015. Collection method: clinical testing. Allele origin: germline.
Comment: The GLI2 c.571G>A variant is predicted to result in the amino acid substitution p.Gly191Arg. This variant has been reported in an individual with Hirschsprung disease (Liu et al. 2015. PubMed ID: 26261006). Functional studies showed this variant results in reduced repressor function of GLI2 (Liu et al. 2015. PubMed ID: 26261006). This variant is reported in 0.075% of alleles in individuals of East Asian descent in gnomAD. At this time, the clinical significance of this variant is uncertain due to the absence of conclusive functional and genetic evidence.

Literature cited by the submitters: PubMed 30552426 (cited by Women's Health and Genetics/Laboratory Corporation of America, LabCorp); PubMed 37773632 (cited by Women's Health and Genetics/Laboratory Corporation of America, LabCorp); PubMed 38649797 (cited by Women's Health and Genetics/Laboratory Corporation of America, LabCorp); PubMed 26261006 (cited by Women's Health and Genetics/Laboratory Corporation of America, LabCorp).